The following is an entry in ClinVar:

NM_000368.5(TSC1):c.1813G>C (p.Asp605His)

Gene: TSC1 (TSC complex subunit 1; minus strand). Cytogenetic location: 9q34.13.
Variant type: single nucleotide variant.
Coding change: c.1813G>C on transcript NM_000368.5 (MANE Select); coding-DNA position 1813, G replaced by C.
Protein change: p.Asp605His; replaces aspartic acid 605 with histidine.
Molecular consequence: missense variant.
Genome position (GRCh38, 1-based): chr9:132,905,765, C>G on the plus strand (G>C on the coding strand, the complement: TSC1 is on the minus strand). VCF-style: chr9-132905765-C-G. GRCh37 (hg19) VCF-style: chr9-135781152-C-G.
Other names: c.1810G>C, p.Asp604His (NM_001162426.2); c.1660G>C, p.Asp554His (NM_001162427.2); c.1450G>C, p.Asp484His (NM_001362177.2); short protein forms D484H, D554H, D604H, D605H.
Identifiers: ClinVar variation 1034789 (VCV001034789.8), dbSNP rs1588309025, ClinGen allele CA375363355.
Genomic context (GRCh38, chr9:132,905,765, plus strand): 5'-CAGTCTTCCTGATGACAAAATGATGGGCTGTCTTTGGCAATGCCACCTCAAAAAGATGAT[C>G]ATACGGGGGAGGCTGCCCGCTTCCAAAGCCCACTCTCGTCGGAGGTGGAATTTTACAAGG-3'
Protein context (NP_000359.1, residues 595-615): GFGSGQPPPY[Asp605His]HLFEVALPKT

ClinVar aggregate classification (germline): Uncertain significance (1 of 4 stars; one submission).

Conditions:
Tuberous sclerosis 1 (TSC1). Identifiers: Orphanet 805, MedGen C1854465, MONDO:0008612, OMIM 191100.

Submission:

Labcorp Genetics (formerly Invitae), Labcorp
Classification: Uncertain significance for Tuberous sclerosis 1. Last evaluated: 2020-05-21. Review status: criteria provided, single submitter. Criteria: Invitae Variant Classification Sherloc (09022015). Collection method: clinical testing. Allele origin: germline.
Comment: In summary, the available evidence is currently insufficient to determine the role of this variant in disease. Therefore, it has been classified as a Variant of Uncertain Significance. Algorithms developed to predict the effect of missense changes on protein structure and function are either unavailable or do not agree on the potential impact of this missense change (SIFT: "Tolerated"; PolyPhen-2: "Probably Damaging"; Align-GVGD: "Class C0"). This variant has not been reported in the literature in individuals with TSC1-related conditions. This variant is not present in population databases (ExAC no frequency). This sequence change replaces aspartic acid with histidine at codon 605 of the TSC1 protein (p.Asp605His). The aspartic acid residue is moderately conserved and there is a moderate physicochemical difference between aspartic acid and histidine.